The following is an entry in ClinVar:

NM_003098.3(SNTA1):c.1425C>T (p.Ile475=)

Gene: SNTA1 (syntrophin alpha 1; minus strand). Cytogenetic location: 20q11.21.
Variant type: single nucleotide variant.
Coding change: c.1425C>T on transcript NM_003098.3 (MANE Select); coding-DNA position 1425, C replaced by T.
Protein change: p.Ile475=; no amino-acid change (isoleucine 475 retained).
Molecular consequence: synonymous variant.
Genome position (GRCh38, 1-based): chr20:33,408,701, G>A on the plus strand (C>T on the coding strand, the complement: SNTA1 is on the minus strand). VCF-style: chr20-33408701-G-A. GRCh37 (hg19) VCF-style: chr20-31996507-G-A.
Identifiers: ClinVar variation 632995 (VCV000632995.3), dbSNP rs775932782, ClinGen allele CA9816967.

ClinVar aggregate classification (germline): Uncertain significance. Review status: criteria provided, multiple submitters, no conflicts (2 of 4 stars). 2 submissions from 2 submitters: Uncertain significance (2). Last evaluated 2025-12-04.

Conditions:
Cardiovascular phenotype. Identifiers: MedGen CN230736.

Allele frequency attached by ClinVar (database versions not stated): gnomAD 0.00001; TOPMed 0.00001; gnomAD exomes 0.00002; ExAC 0.00003.
gnomAD v4.1: 10 of 1,613,758 alleles (0.00062%); highest among the groups gnomAD compares: Middle Eastern, 0.016%; no homozygotes.

Submissions (2):

Ambry Genetics
Classification: Uncertain significance for Cardiovascular phenotype. Last evaluated: 2025-12-04. Review status: criteria provided, single submitter. Criteria: Ambry Variant Classification Scheme 2023. Collection method: clinical testing. Allele origin: germline.
Comment: The c.1425C>T variant (also known as p.I475I), located in coding exon 7 of the SNTA1 gene, results from a C to T substitution at nucleotide position 1425. This nucleotide substitution does not change the isoleucine at codon 475. However, this change occurs in the last base pair of coding exon 7, which makes it likely to have some effect on normal mRNA splicing. This nucleotide position is poorly conserved in available vertebrate species. In silico splice site analysis for this alteration is inconclusive. The evidence for this gene-disease relationship is limited; therefore, the clinical significance of this alteration is unclear.

Women's Health and Genetics/Laboratory Corporation of America, LabCorp
Classification: Uncertain significance. Last evaluated: 2019-08-30. Review status: criteria provided, single submitter. Criteria: LabCorp Variant Classification Summary - May 2015. Collection method: clinical testing. Allele origin: germline.
Comment: Variant summary: SNTA1 c.1425C>T (p.Ile475Ile) alters a non-conserved nucleotide located close to a canonical splice site (i.e. the last nucleotide of exon 7) and therefore could affect mRNA splicing, leading to a significantly altered protein sequence. 5/5 computational tools predict no significant impact on normal splicing. However, these predictions have yet to be confirmed by functional studies. The variant allele was found at a frequency of 2e-05 in 251434 control chromosomes (gnomAD). The available data on variant occurrences in the general population are insufficient to allow any conclusion about variant significance. To our knowledge, no occurrence of c.1425C>T in individuals affected with Arrhythmia and no experimental evidence demonstrating its impact on protein function have been reported. No other clinical diagnostic laboratories have submitted clinical-significance assessments for this variant to ClinVar after 2014. Based on the evidence outlined above, the variant was classified as VUS-possibly benign.